The following is an entry in ClinVar:

ClinVar aggregate classification (germline): Uncertain significance. Review status: criteria provided, multiple submitters, no conflicts (2 of 4 stars). 2 submissions from 2 submitters: Uncertain significance (2). Last evaluated 2024-02-01.

Submissions (2):

CeGaT Center for Human Genetics Tuebingen
Classification: Uncertain significance. Last evaluated: 2024-02-01. Review status: criteria provided, single submitter. Criteria: CeGaT Center For Human Genetics Tuebingen Variant Classification Criteria Version 2. Collection method: clinical testing. Allele origin: germline. Affected: yes. Observed: 1 variant allele.
Comment: RHOBTB2: PM2, PP2, BP5

Labcorp Genetics (formerly Invitae), Labcorp
Classification: Uncertain significance. Last evaluated: 2021-12-02. Review status: criteria provided, single submitter. Criteria: Invitae Variant Classification Sherloc (09022015). Collection method: clinical testing. Allele origin: germline.
Comment: This sequence change replaces asparagine, which is neutral and polar, with serine, which is neutral and polar, at codon 175 of the RHOBTB2 protein (p.Asn175Ser). In summary, the available evidence is currently insufficient to determine the role of this variant in disease. Therefore, it has been classified as a Variant of Uncertain Significance. Algorithms developed to predict the effect of missense changes on protein structure and function are either unavailable or do not agree on the potential impact of this missense change (SIFT: "Tolerated"; PolyPhen-2: "Probably Damaging"; Align-GVGD: "Class C0"). This variant has not been reported in the literature in individuals affected with RHOBTB2-related conditions. This variant is not present in population databases (gnomAD no frequency).

NM_015178.3(RHOBTB2):c.458A>G (p.Asn153Ser)

Gene: RHOBTB2 (Rho related BTB domain containing 2; plus strand). Cytogenetic location: 8p21.3.
Variant type: single nucleotide variant.
Coding change: c.458A>G on transcript NM_015178.3 (MANE Select); coding-DNA position 458, A replaced by G.
Protein change: p.Asn153Ser; replaces asparagine 153 with serine.
Molecular consequence: missense variant.
Genome position (GRCh38, 1-based): chr8:23,006,121, A>G. VCF-style: chr8-23006121-A-G. GRCh37 (hg19) VCF-style: chr8-22863634-A-G.
Other names: c.524A>G, p.Asn175Ser (NM_001160036.2); c.479A>G, p.Asn160Ser (NM_001160037.2); c.458A>G, p.Asn153Ser (NM_001374791.1); short protein forms N160S, N153S, N175S.
Identifiers: ClinVar variation 1437118 (VCV001437118.28), dbSNP rs2128804112, ClinGen allele CA370561701.